The following is an entry in ClinVar:

NM_000426.4(LAMA2):c.1610_1611del (p.Ile537fs)

Gene: LAMA2 (laminin subunit alpha 2; plus strand). Cytogenetic location: 6q22.33.
Variant type: Deletion.
Coding change: c.1610_1611del on transcript NM_000426.4 (MANE Select); coding-DNA positions 1610 to 1611, 2 bases deleted (TA; older notation c.1610_1611delTA).
Protein change: p.Ile537fs; shifts the reading frame from isoleucine 537.
Molecular consequence: frameshift variant.
Genome position (GRCh38, 1-based): chr6:129,192,681-129,192,682, TA deleted; deleting any 2 consecutive bases within chr6:129,192,680-129,192,682 gives the same sequence; the c. name uses the placement nearest the transcript's 3' end. VCF-style (leftmost placement, unchanged base first): chr6-129192679-GAT-G. GRCh37 (hg19) VCF-style: chr6-129513824-GAT-G.
Other names: c.1610_1611del, p.Ile537fs (NM_001079823.2); short protein forms I537fs.
Identifiers: ClinVar variation 286388 (VCV000286388.13), dbSNP rs886043374, ClinGen allele CA10605445.

ClinVar aggregate classification (germline): Pathogenic. Review status: criteria provided, multiple submitters, no conflicts (2 of 4 stars). 2 submissions from 2 submitters: Pathogenic (2). Last evaluated 2020-09-20.

Conditions:
LAMA2-related muscular dystrophy (LAMA2-RD). Also called: Laminin alpha 2-related dystrophy. Identifiers: MedGen C5679788, MONDO:0100228.

Submissions (2):

Labcorp Genetics (formerly Invitae), Labcorp
Classification: Pathogenic for LAMA2-related muscular dystrophy. Last evaluated: 2020-09-20. Review status: criteria provided, single submitter. Criteria: Invitae Variant Classification Sherloc (09022015). Collection method: clinical testing. Allele origin: germline.
Comment: Loss-of-function variants in LAMA2 are known to be pathogenic (PMID: 18700894). For these reasons, this variant has been classified as Pathogenic. This variant has been observed in individual(s) with congenital muscular dystrophy (PMID: 29465610). ClinVar contains an entry for this variant (Variation ID: 286388). This variant is not present in population databases (ExAC no frequency). This sequence change creates a premature translational stop signal (p.Ile537Thrfs*10) in the LAMA2 gene. It is expected to result in an absent or disrupted protein product.

Eurofins Ntd Llc (ga)
Classification: Pathogenic. Last evaluated: 2016-02-23. Review status: criteria provided, single submitter. Criteria: EGL Classification Definitions 2015. Collection method: clinical testing. Allele origin: germline. Observed: 1 variant allele, 1 heterozygote.

Literature cited by the submitters: PubMed 18700894 (cited by Labcorp Genetics (formerly Invitae), Labcorp); PubMed 29465610 (cited by Labcorp Genetics (formerly Invitae), Labcorp).